The following is an entry in ClinVar:

ClinVar aggregate classification (germline): Uncertain significance (1 of 4 stars; one submission).

gnomAD v4.1: 98 of 1,614,076 alleles (0.0061%); highest among the groups gnomAD compares: Middle Eastern, 0.066%; 1 homozygote.

Submission:

Labcorp Genetics (formerly Invitae), Labcorp
Classification: Uncertain significance. Last evaluated: 2022-06-20. Review status: criteria provided, single submitter. Criteria: Invitae Variant Classification Sherloc (09022015). Collection method: clinical testing. Allele origin: germline.
Comment: This sequence change replaces arginine, which is basic and polar, with proline, which is neutral and non-polar, at codon 500 of the MMP2 protein (p.Arg500Pro). This variant is present in population databases (rs28730814, gnomAD 0.04%), including at least one homozygous and/or hemizygous individual. This variant has not been reported in the literature in individuals affected with MMP2-related conditions. Algorithms developed to predict the effect of missense changes on protein structure and function are either unavailable or do not agree on the potential impact of this missense change (SIFT: "Tolerated"; PolyPhen-2: "Possibly Damaging"; Align-GVGD: "Class C15"). In summary, the available evidence is currently insufficient to determine the role of this variant in disease. Therefore, it has been classified as a Variant of Uncertain Significance.

NM_004530.6(MMP2):c.1499G>C (p.Arg500Pro)

Gene: MMP2 (matrix metallopeptidase 2; plus strand). Cytogenetic location: 16q12.2.
Variant type: single nucleotide variant.
Coding change: c.1499G>C on transcript NM_004530.6 (MANE Select); coding-DNA position 1499, G replaced by C.
Protein change: p.Arg500Pro; replaces arginine 500 with proline.
Molecular consequence: missense variant.
Genome position (GRCh38, 1-based): chr16:55,496,952, G>C. VCF-style: chr16-55496952-G-C. GRCh37 (hg19) VCF-style: chr16-55530864-G-C.
Other names: c.1349G>C, p.Arg450Pro (NM_001127891.3); c.1271G>C, p.Arg424Pro (NM_001302508.1, NM_001302509.2, NM_001302510.2); short protein forms R500P, R424P, R450P.
Identifiers: ClinVar variation 1349579 (VCV001349579.3), dbSNP rs28730814, ClinGen allele CA8060477.